The following is an entry in ClinVar:

ClinVar aggregate classification (germline): Uncertain significance (1 of 4 stars; one submission).

Conditions:
Immunodeficiency, common variable, 2 (CVID2). Also called: HYPOGAMMAGLOBULINEMIA DUE TO TACI DEFICIENCY; ANTIBODY DEFICIENCY DUE TO TACI DEFECT. Identifiers: Orphanet 1572, MedGen C3150354, MONDO:0009413, OMIM 240500.

Allele frequency attached by ClinVar (database versions not stated): gnomAD 0.00001; gnomAD exomes 0.00001; TOPMed 0.00001.
gnomAD v4.1: 8 of 1,614,030 alleles (0.0005%); highest among the groups gnomAD compares: African/African-American, 0.0027%; no homozygotes.

Submission:

Labcorp Genetics (formerly Invitae), Labcorp
Classification: Uncertain significance for Immunodeficiency, common variable, 2. Last evaluated: 2020-05-21. Review status: criteria provided, single submitter. Criteria: Invitae Variant Classification Sherloc (09022015). Collection method: clinical testing. Allele origin: germline.
Comment: This variant is not present in population databases (ExAC no frequency). This sequence change replaces valine with alanine at codon 126 of the TNFRSF13B protein (p.Val126Ala). The valine residue is moderately conserved and there is a small physicochemical difference between valine and alanine. This variant has not been reported in the literature in individuals with TNFRSF13B-related conditions. In summary, the available evidence is currently insufficient to determine the role of this variant in disease. Therefore, it has been classified as a Variant of Uncertain Significance. Algorithms developed to predict the effect of missense changes on protein structure and function output the following: SIFT: "Tolerated"; PolyPhen-2: "Benign"; Align-GVGD: "Class C0". The alanine amino acid residue is found in multiple mammalian species, suggesting that this missense change does not adversely affect protein function. These predictions have not been confirmed by published functional studies and their clinical significance is uncertain.

NM_012452.3(TNFRSF13B):c.377T>C (p.Val126Ala)

Gene: TNFRSF13B (TNF receptor superfamily member 13B; minus strand). Cytogenetic location: 17p11.2.
Variant type: single nucleotide variant.
Coding change: c.377T>C on transcript NM_012452.3 (MANE Select); coding-DNA position 377, T replaced by C.
Protein change: p.Val126Ala; replaces valine 126 with alanine.
Molecular consequence: missense variant.
Genome position (GRCh38, 1-based): chr17:16,948,806, A>G on the plus strand (T>C on the coding strand, the complement: TNFRSF13B is on the minus strand). VCF-style: chr17-16948806-A-G. GRCh37 (hg19) VCF-style: chr17-16852120-A-G.
Other names: short protein forms V126A.
Identifiers: ClinVar variation 1027221 (VCV001027221.5), dbSNP rs1330415205, ClinGen allele CA398519879.